The following is an entry in ClinVar:

NM_000465.4(BARD1):c.2065dup (p.Asp689fs)

Gene: BARD1 (BRCA1 associated RING domain 1; minus strand). Cytogenetic location: 2q35.
Variant type: Duplication.
Coding change: c.2065dup on transcript NM_000465.4 (MANE Select); coding-DNA position 2065, one base duplicated (G; older notation c.2065dupG).
Protein change: p.Asp689fs; shifts the reading frame from aspartic acid 689.
Molecular consequence: frameshift variant. On other transcripts: non-coding transcript variant (3).
Genome position (GRCh38, 1-based): chr2:214,728,945, C duplicated on the plus strand (G on the coding strand, the reverse complement: BARD1 is on the minus strand); the first of 2 consecutive C bases (chr2:214,728,945-214,728,946); duplicating either gives the same sequence. VCF-style (leftmost placement, unchanged base first): chr2-214728944-T-TC. GRCh37 (hg19) VCF-style: chr2-215593668-T-TC.
Other names: c.2008dup, p.Asp670fs (NM_001282543.2); c.712dup, p.Asp238fs (NM_001282545.2); c.655dup, p.Asp219fs (NM_001282548.2); c.526dup, p.Asp176fs (NM_001282549.2); short protein forms D238fs, D670fs, D689fs, D176fs, D219fs.
Identifiers: ClinVar variation 1785285 (VCV001785285.5), dbSNP rs2469270823, ClinGen allele CA2580065645.
Genomic context (GRCh38, chr2:214,728,944, plus strand): 5'-GGCTTGGGCTTTCTACTGAGGATCTGGCCCCCACCTGCAGTGACGAGCTTAATAAGGTTG[T>TC]CCTTTGGATGGTGTTTGAAGGTTCCCCACAAATAGAAGTAGCATCCATCAAACAGCTTTG-3'

ClinVar aggregate classification (germline): Likely pathogenic. Review status: criteria provided, multiple submitters, no conflicts (2 of 4 stars). 2 submissions from 2 submitters: Likely pathogenic (2). Last evaluated 2024-11-02.

Conditions:
Hereditary cancer-predisposing syndrome. Also called: Neoplastic Syndromes, Hereditary; Tumor predisposition; Hereditary Cancer Syndrome; Hereditary neoplastic syndrome. Identifiers: Orphanet 140162, MedGen C0027672, MeSH D009386, MONDO:0015356.
Familial cancer of breast. Also called: BREAST CANCER, FAMILIAL; Hereditary breast cancer; hereditary breast carcinoma. Identifiers: Orphanet 227535, MedGen C0346153, MONDO:0016419, OMIM 114480. Disease mechanism: loss of function.

Submissions (2):

Labcorp Genetics (formerly Invitae), Labcorp
Classification: Likely pathogenic for Familial cancer of breast. Last evaluated: 2024-11-02. Review status: criteria provided, single submitter. Criteria: Invitae Variant Classification Sherloc (09022015). Collection method: clinical testing. Allele origin: germline.
Comment: This sequence change creates a premature translational stop signal (p.Asp689Glyfs*5) in the BARD1 gene. While this is not anticipated to result in nonsense mediated decay, it is expected to disrupt the last 89 amino acid(s) of the BARD1 protein. This variant is not present in population databases (gnomAD no frequency). This variant has not been reported in the literature in individuals affected with BARD1-related conditions. ClinVar contains an entry for this variant (Variation ID: 1785285). This variant disrupts the C-terminal BRCT domain of BARD1 protein, which is required for chromosome stability and homology-directed repair (PMID: 17848578). A different variant (p.Val767fs) that lies downstream of this variant has been reported to affect BARD1 protein function (PMID: 30925164), this suggests that disruption of this region of the protein is causative of disease. In summary, the currently available evidence indicates that the variant is pathogenic, but additional data are needed to prove that conclusively. Therefore, this variant has been classified as Likely Pathogenic.

Ambry Genetics
Classification: Likely pathogenic for Hereditary cancer-predisposing syndrome. Last evaluated: 2024-10-17. Review status: criteria provided, single submitter. Criteria: Ambry Variant Classification Scheme 2023. Collection method: clinical testing. Allele origin: germline.
Comment: The c.2065dupG variant, located in coding exon 11 of the BARD1 gene, results from a duplication of G at nucleotide position 2065, causing a translational frameshift with a predicted alternate stop codon (p.D689Gfs*5). This alteration occurs at the 3' terminus of theBARD1 gene, is not expected to trigger nonsense-mediated mRNA decay, and only impacts the last 85 amino acids of the protein. However, premature stop codons are typically deleterious in nature and the impacted region is critical for protein function (Ambry internal data). Based on the majority of available evidence to date, this variant is likely to be pathogenic.

Literature cited by the submitters: PubMed 17848578 (cited by Labcorp Genetics (formerly Invitae), Labcorp); PubMed 30925164 (cited by Labcorp Genetics (formerly Invitae), Labcorp).